The following is an entry in ClinVar:

ClinVar aggregate classification (germline): Uncertain significance (1 of 4 stars; one submission).

gnomAD v4.1: 23 of 1,613,970 alleles (0.0014%); highest among the groups gnomAD compares: Middle Eastern, 0.033%; no homozygotes.

Submission:

Labcorp Genetics (formerly Invitae), Labcorp
Classification: Uncertain significance. Last evaluated: 2025-03-18. Review status: criteria provided, single submitter. Criteria: Invitae Variant Classification Sherloc (09022015). Collection method: clinical testing. Allele origin: germline.
Comment: This sequence change affects codon 157 of the FOXC2 mRNA. It is a 'silent' change, meaning that it does not change the encoded amino acid sequence of the FOXC2 protein. This variant is present in population databases (rs563038940, gnomAD 0.01%). This variant has not been reported in the literature in individuals affected with FOXC2-related conditions. In summary, the available evidence is currently insufficient to determine the role of this variant in disease. Therefore, it has been classified as a Variant of Uncertain Significance.

NM_005251.3(FOXC2):c.471G>A (p.Glu157=)

Gene: FOXC2 (forkhead box C2; plus strand). Cytogenetic location: 16q24.1.
Variant type: single nucleotide variant.
Coding change: c.471G>A on transcript NM_005251.3 (MANE Select); coding-DNA position 471, G replaced by A.
Protein change: p.Glu157=; no amino-acid change (glutamic acid 157 retained).
Molecular consequence: synonymous variant.
Genome position (GRCh38, 1-based): chr16:86,567,806, G>A. VCF-style: chr16-86567806-G-A. GRCh37 (hg19) VCF-style: chr16-86601412-G-A.
Identifiers: ClinVar variation 4810104 (VCV004810104.1).
Genomic context (GRCh38, chr16:86,567,806, plus strand): 5'-CAAGAAGCCCGGCAAGGGCAGTTACTGGACCCTGGACCCGGACTCCTACAACATGTTCGA[G>A]AACGGCAGCTTCCTGCGGCGCCGGCGGCGCTTCAAAAAGAAGGACGTGTCCAAGGAGAAG-3'
Protein context (NP_005242.1, residues 147-167): TLDPDSYNMF[Glu157=]NGSFLRRRRR